The following is an entry in ClinVar:

ClinVar aggregate classification (germline): Uncertain significance. Review status: criteria provided, multiple submitters, no conflicts (2 of 4 stars). 2 submissions from 2 submitters: Uncertain significance (2). Last evaluated 2023-10-27.

Submissions (2):

Blueprint Genetics
Classification: Uncertain significance. Last evaluated: 2023-10-27. Review status: criteria provided, single submitter. Criteria: ACMG Guidelines, 2015. Collection method: clinical testing. Allele origin: germline.

Labcorp Genetics (formerly Invitae), Labcorp
Classification: Uncertain significance. Last evaluated: 2020-12-26. Review status: criteria provided, single submitter. Criteria: Invitae Variant Classification Sherloc (09022015). Collection method: clinical testing. Allele origin: germline.
Comment: In summary, the available evidence is currently insufficient to determine the role of this variant in disease. Therefore, it has been classified as a Variant of Uncertain Significance. Experimental studies and prediction algorithms are not available or were not evaluated, and the functional significance of this variant is currently unknown. This variant has not been reported in the literature in individuals with DTHD1-related conditions. This variant is not present in population databases (ExAC no frequency). This sequence change creates a premature translational stop signal (p.Lys567Asnfs*47) in the DTHD1 gene. While this is not anticipated to result in nonsense mediated decay, it is expected to disrupt the last 50 amino acid(s) of the DTHD1 protein.

NM_001170700.3(DTHD1):c.2571del (p.Lys857fs)

Gene: DTHD1 (death domain containing 1; plus strand). Cytogenetic location: 4p14.
Variant type: Deletion.
Coding change: c.2571del on transcript NM_001170700.3 (MANE Select); coding-DNA position 2571, one base deleted (A; older notation c.2571delA).
Protein change: p.Lys857fs; shifts the reading frame from lysine 857.
Molecular consequence: frameshift variant. On other transcripts: non-coding transcript variant (2).
Genome position (GRCh38, 1-based): chr4:36,343,674, A deleted; the last of 6 consecutive A bases (chr4:36,343,669-36,343,674); deleting any one gives the same sequence. VCF-style (leftmost placement, unchanged base first): chr4-36343668-GA-G. GRCh37 (hg19) VCF-style: chr4-36345290-GA-G.
Other names: c.1701del, p.Lys567fs (NM_001136536.5); c.1580del, p.Asn527fs (NM_001378435.1); short protein forms K567fs, K857fs, N527fs.
Identifiers: ClinVar variation 1424367 (VCV001424367.9), dbSNP rs1380125392, ClinGen allele CA551141876.